The following is an entry in ClinVar:

NM_015001.3(SPEN):c.5684C>T (p.Pro1895Leu)

Gene: SPEN (spen family transcriptional repressor; plus strand). Cytogenetic location: 1p36.13.
Variant type: single nucleotide variant.
Coding change: c.5684C>T on transcript NM_015001.3 (MANE Select); coding-DNA position 5684, C replaced by T.
Protein change: p.Pro1895Leu; replaces proline 1895 with leucine.
Molecular consequence: missense variant.
Genome position (GRCh38, 1-based): chr1:15,931,924, C>T. VCF-style: chr1-15931924-C-T. GRCh37 (hg19) VCF-style: chr1-16258419-C-T.
Other names: short protein forms P1895L.
Identifiers: ClinVar variation 2504254 (VCV002504254.2), dbSNP rs2523083371, ClinGen allele CA338628117.

ClinVar aggregate classification (germline): Uncertain significance (1 of 4 stars; one submission).

Submission:

GeneDx
Classification: Uncertain significance. Last evaluated: 2025-09-08. Review status: criteria provided, single submitter. Criteria: GeneDx Variant Classification Process June 2021. Collection method: clinical testing. Allele origin: germline. Affected: yes.
Comment: Not observed at significant frequency in large population cohorts (gnomAD); In silico analysis supports that this missense variant has a deleterious effect on protein structure/function; Has not been previously published as pathogenic or benign to our knowledge